The following is an entry in ClinVar:

ClinVar aggregate classification (germline): Uncertain significance (1 of 4 stars; one submission).

Submission:

Dasa
Classification: Uncertain significance. Last evaluated: 2026-05-15. Review status: criteria provided, single submitter. Criteria: DASA Assertion Criteria. Collection method: clinical testing. Allele origin: germline.
Comment: NM_005334.3(HCFC1):c.2669T>G (p.Val890Gly) is a missense variant that results in the substitution of valine with glycine. This variant is rare in population databases. The currently available literature and clinical evidence are not sufficient to establish a definitive association between this variant and the reported condition. Therefore, this variant is classified as a variant of uncertain significance.

NM_005334.3(HCFC1):c.2669T>G (p.Val890Gly)

Gene: HCFC1 (host cell factor C1; minus strand). Cytogenetic location: Xq28.
Variant type: single nucleotide variant.
Coding change: c.2669T>G on transcript NM_005334.3 (MANE Select); coding-DNA position 2669, T replaced by G.
Protein change: p.Val890Gly; replaces valine 890 with glycine.
Molecular consequence: missense variant.
Genome position (GRCh38, 1-based): chrX:153,956,378, A>C on the plus strand (T>G on the coding strand, the complement: HCFC1 is on the minus strand). VCF-style: chrX-153956378-A-C. GRCh37 (hg19) VCF-style: chrX-153221829-A-C.
Other names: c.2669T>G, p.Val890Gly (NM_001410705.1, NM_001440843.1, NM_001440844.1 and 5 more transcripts); c.2471T>G, p.Val824Gly (NM_001440850.1, NM_001440851.1); short protein forms V824G, V890G.
Identifiers: ClinVar variation 5020561 (VCV005020561.1).